The following is an entry in ClinVar:

ClinVar aggregate classification (germline): Uncertain significance (1 of 4 stars; one submission).

Conditions:
Early-infantile DEE. Also called: Early infantile epileptic encephalopathy; Early infantile epileptic encephalopathy with suppression bursts; Ohtahara syndrome. Identifiers: Orphanet 1934, MedGen C0393706, MONDO:0800491.

Submission:

Labcorp Genetics (formerly Invitae), Labcorp
Classification: Uncertain significance for Early-infantile DEE. Last evaluated: 2021-09-26. Review status: criteria provided, single submitter. Criteria: Invitae Variant Classification Sherloc (09022015). Collection method: clinical testing. Allele origin: germline.
Comment: This variant, c.1522_1524del, results in the deletion of 1 amino acid(s) of the SPTAN1 protein (p.Lys508del), but otherwise preserves the integrity of the reading frame. This variant is not present in population databases (ExAC no frequency). This variant has not been reported in the literature in individuals affected with SPTAN1-related conditions. Experimental studies and prediction algorithms are not available or were not evaluated, and the functional significance of this variant is currently unknown. In summary, the available evidence is currently insufficient to determine the role of this variant in disease. Therefore, it has been classified as a Variant of Uncertain Significance.

NM_001130438.3(SPTAN1):c.1519AAG[1] (p.Lys508del)

Gene: SPTAN1 (spectrin alpha, non-erythrocytic 1; plus strand). Cytogenetic location: 9q34.11.
Variant type: Microsatellite.
Coding change: c.1519AAG[1] on transcript NM_001130438.3 (MANE Select); one copy of the 3-base unit AAG starting at c.1519; the reference has two copies in a row; one copy, 3 bases deleted.
Protein change: p.Lys508del; deletes lysine 508.
Molecular consequence: inframe deletion.
Genome position (GRCh38, 1-based): chr9:128,581,842-128,581,844, AAG deleted; deleting any 3 consecutive bases within chr9:128,581,839-128,581,844 gives the same sequence; the position shown is the placement nearest the transcript's 3' end. VCF-style (leftmost placement, unchanged base first): chr9-128581838-TAAG-T. GRCh37 (hg19) VCF-style: chr9-131344117-TAAG-T.
Other names: c.1519AAG[1], p.Lys508del (NM_001195532.2, NM_001363759.2, NM_001363765.2 and 5 more transcripts); c.1555AAG[1], p.Lys520del (NM_001375312.2, NM_001375318.1); short protein forms K520del, K508del.
Identifiers: ClinVar variation 1521673 (VCV001521673.7), dbSNP rs2131108444, ClinGen allele CA2580617101.